The following is an entry in ClinVar:

NM_004655.4(AXIN2):c.957-19G>C

Gene: AXIN2 (axin 2; minus strand). Cytogenetic location: 17q24.1.
Variant type: single nucleotide variant.
Coding change: c.957-19G>C on transcript NM_004655.4 (MANE Select); 19 bases into the intron before coding-DNA position 957, G replaced by C.
Molecular consequence: intron variant.
Genome position (GRCh38, 1-based): chr17:65,541,576, C>G on the plus strand (G>C on the coding strand, the complement: AXIN2 is on the minus strand). VCF-style: chr17-65541576-C-G. GRCh37 (hg19) VCF-style: chr17-63537694-C-G.
Other names: c.957-19G>C (NM_001363813.1).
Identifiers: ClinVar variation 1646113 (VCV001646113.9), dbSNP rs2144501144, ClinGen allele CA2573154720.

ClinVar aggregate classification (germline): Likely benign. Review status: criteria provided, multiple submitters, no conflicts (2 of 4 stars). 2 submissions from 2 submitters: Likely benign (2). Last evaluated 2024-06-28.

Conditions:
Oligodontia-cancer predisposition syndrome. Also called: TOOTH AGENESIS-COLORECTAL CANCER SYNDROME. Identifiers: Orphanet 300576, MedGen C1837750, MONDO:0012075, OMIM 608615. Disease mechanism: loss of function.

Submissions (2):

Myriad Genetics, Inc.
Classification: Likely benign for Oligodontia-cancer predisposition syndrome. Last evaluated: 2024-06-28. Review status: criteria provided, single submitter. Criteria: Myriad Autosomal Dominant, Autosomal Recessive and X-Linked Classification Criteria (2023). Collection method: clinical testing. Allele origin: unknown.
Comment: This variant is considered likely benign. This variant is intronic and is not expected to impact mRNA splicing.

Labcorp Genetics (formerly Invitae), Labcorp
Classification: Likely benign for Oligodontia-cancer predisposition syndrome. Last evaluated: 2023-07-25. Review status: criteria provided, single submitter. Criteria: Invitae Variant Classification Sherloc (09022015). Collection method: clinical testing. Allele origin: germline.